The following is an entry in ClinVar:

NM_139076.3(ABRAXAS1):c.896T>C (p.Met299Thr)

Gene: ABRAXAS1 (abraxas 1, BRCA1 A complex subunit; minus strand). Cytogenetic location: 4q21.23.
Variant type: single nucleotide variant.
Coding change: c.896T>C on transcript NM_139076.3 (MANE Select); coding-DNA position 896, T replaced by C.
Protein change: p.Met299Thr; replaces methionine 299 with threonine.
Molecular consequence: missense variant.
Genome position (GRCh38, 1-based): chr4:83,462,803, A>G on the plus strand (T>C on the coding strand, the complement: ABRAXAS1 is on the minus strand). VCF-style: chr4-83462803-A-G. GRCh37 (hg19) VCF-style: chr4-84383956-A-G.
Other names: c.569T>C, p.Met190Thr (NM_001345962.2); short protein forms M190T, M299T.
Identifiers: ClinVar variation 1800046 (VCV001800046.8), dbSNP rs781307588, ClinGen allele CA2990416.

ClinVar aggregate classification (germline): Uncertain significance. Review status: criteria provided, multiple submitters, no conflicts (2 of 4 stars). 2 submissions from 2 submitters: Uncertain significance (2). Last evaluated 2024-08-05.

Allele frequency attached by ClinVar (database versions not stated): gnomAD exomes below 0.00001; ExAC 0.00002.
gnomAD v4.1: 1 of 1,613,474 alleles (0.000062%); highest among the groups gnomAD compares: South Asian, 0.0011%; no homozygotes.

Submissions (2):

Ambry Genetics
Classification: Uncertain significance. Last evaluated: 2024-08-05. Review status: criteria provided, single submitter. Criteria: Ambry Variant Classification Scheme 2023. Collection method: clinical testing. Allele origin: germline.
Comment: The p.M299T variant (also known as c.896T>C), located in coding exon 9 of the FAM175A gene, results from a T to C substitution at nucleotide position 896. The methionine at codon 299 is replaced by threonine, an amino acid with similar properties. This amino acid position is conserved. In addition, this alteration is predicted to be tolerated by in silico analysis. Since supporting evidence is limited at this time, the clinical significance of this alteration remains unclear.

Labcorp Genetics (formerly Invitae), Labcorp
Classification: Uncertain significance. Last evaluated: 2022-06-16. Review status: criteria provided, single submitter. Criteria: Invitae Variant Classification Sherloc (09022015). Collection method: clinical testing. Allele origin: germline.
Comment: This variant is present in population databases (rs781307588, gnomAD 0.003%). In summary, the available evidence is currently insufficient to determine the role of this variant in disease. Therefore, it has been classified as a Variant of Uncertain Significance. Algorithms developed to predict the effect of missense changes on protein structure and function are either unavailable or do not agree on the potential impact of this missense change (SIFT: "Deleterious"; PolyPhen-2: "Benign"; Align-GVGD: "Class C0"). This variant has not been reported in the literature in individuals affected with ABRAXAS1-related conditions. This sequence change replaces methionine, which is neutral and non-polar, with threonine, which is neutral and polar, at codon 299 of the ABRAXAS1 protein (p.Met299Thr).